The following is an entry in ClinVar:

NM_177438.3(DICER1):c.590dup (p.Ser198fs)

Gene: DICER1 (dicer 1, ribonuclease III; minus strand). Cytogenetic location: 14q32.13.
Variant type: Duplication.
Coding change: c.590dup on transcript NM_177438.3 (MANE Select); coding-DNA position 590, one base duplicated (C; older notation c.590dupC).
Protein change: p.Ser198fs; shifts the reading frame from serine 198.
Molecular consequence: frameshift variant. On other transcripts: 5 prime UTR variant (1), non-coding transcript variant (6).
Genome position (GRCh38, 1-based): chr14:95,129,616, G duplicated on the plus strand (C on the coding strand, the reverse complement: DICER1 is on the minus strand); the first of 2 consecutive G bases (chr14:95,129,616-95,129,617); duplicating either gives the same sequence. VCF-style (leftmost placement, unchanged base first): chr14-95129615-T-TG. GRCh37 (hg19) VCF-style: chr14-95595952-T-TG.
Other names: c.185dup, p.Ser63fs (NM_001395696.1, NM_001395698.1, NM_001395687.1 and 3 more transcripts); c.-979dup (NM_001395697.1); c.590dup, p.Ser198fs (NM_001395699.1, NM_001395700.1, NM_030621.4 and 14 more transcripts); c.308dup, p.Ser104fs (NM_001395686.1); c.23dup, p.Ser9fs (NM_001395691.1); short protein forms S63fs, S198fs, S104fs, S9fs.
Identifiers: ClinVar variation 4712388 (VCV004712388.1).

ClinVar aggregate classification (germline): Pathogenic/Likely pathogenic. Review status: criteria provided, multiple submitters, no conflicts (2 of 4 stars). 2 submissions from 2 submitters: Pathogenic (1); Likely pathogenic (1). Last evaluated 2025-05-20.

Conditions:
DICER1-related tumor predisposition. Also called: DICER1 syndrome; DICER1-related pleuropulmonary blastoma cancer predisposition syndrome. Identifiers: Orphanet 284343, MedGen C3839822, MONDO:0100216.

Submissions (2):

Institute for Genomic Medicine (IGM) Clinical Laboratory, Nationwide Children's Hospital
Classification: Likely pathogenic for DICER1-related tumor predisposition. Last evaluated: 2025-05-20. Review status: criteria provided, single submitter. Criteria: ACMG Guidelines, 2015. Collection method: clinical testing. Allele origin: germline.
Comment: This variant is predicted to result in loss of function through nonsense-mediated decay of the encoded transcript or premature truncation of the encoded protein in a gene in which loss of function is a known mechanism of disease (ACMG/AMP: PVS1; PMIDs:26925222, 31342592). This variant is absent from or present at an exceedingly low frequency in gnomAD, a large-scale control population database (ACMG/AMP: PM2).

Labcorp Genetics (formerly Invitae), Labcorp
Classification: Pathogenic for DICER1-related tumor predisposition. Last evaluated: 2025-02-06. Review status: criteria provided, single submitter. Criteria: Invitae Variant Classification Sherloc (09022015). Collection method: clinical testing. Allele origin: germline.
Comment: This sequence change creates a premature translational stop signal (p.Ser198Ilefs*18) in the DICER1 gene. It is expected to result in an absent or disrupted protein product. Loss-of-function variants in DICER1 are known to be pathogenic (PMID: 19556464, 21266384). This variant is not present in population databases (gnomAD no frequency). This variant has not been reported in the literature in individuals affected with DICER1-related conditions. For these reasons, this variant has been classified as Pathogenic.

Literature cited by the submitters: PubMed 26925222 (cited by Institute for Genomic Medicine (IGM) Clinical Laboratory, Nationwide Children's Hospital); PubMed 31342592 (cited by Institute for Genomic Medicine (IGM) Clinical Laboratory, Nationwide Children's Hospital); PubMed 19556464 (cited by Labcorp Genetics (formerly Invitae), Labcorp); PubMed 21266384 (cited by Labcorp Genetics (formerly Invitae), Labcorp).